The following is an entry in ClinVar:

NM_000038.6(APC):c.2459C>G (p.Thr820Ser)

Gene: APC (APC regulator of Wnt signaling pathway; plus strand). Cytogenetic location: 5q22.2.
Variant type: single nucleotide variant.
Coding change: c.2459C>G on transcript NM_000038.6 (MANE Select); coding-DNA position 2459, C replaced by G.
Protein change: p.Thr820Ser; replaces threonine 820 with serine.
Molecular consequence: missense variant. On other transcripts: non-coding transcript variant (2).
Genome position (GRCh38, 1-based): chr5:112,838,053, C>G. VCF-style: chr5-112838053-C-G. GRCh37 (hg19) VCF-style: chr5-112173750-C-G.
Other names: c.2543C>G, p.Thr848Ser (NM_001407446.1); c.2513C>G, p.Thr838Ser (NM_001407447.1, NM_001407448.1, NM_001407449.1 and 1 more transcripts); c.2282C>G, p.Thr761Ser (NM_001407453.1, NM_001354901.2); c.2210C>G, p.Thr737Ser (NM_001407454.1, NM_001407455.1, NM_001407456.1 and 1 more transcripts); c.2459C>G, p.Thr820Ser (NM_001407450.1, NM_001127510.3, NM_001354895.2); c.2429C>G, p.Thr810Ser (NM_001407452.1); c.2438C>G, p.Thr813Ser (NM_001407451.1); c.2405C>G, p.Thr802Ser (NM_001127511.3); and 11 more; short protein forms T737S, T779S, T792S, T810S, T813S, T436S, T537S, T729S.
Identifiers: ClinVar variation 2774843 (VCV002774843.2), dbSNP rs2149870031, ClinGen allele CA16026735.

ClinVar aggregate classification (germline): Uncertain significance (1 of 4 stars; one submission).

Conditions:
Hereditary cancer-predisposing syndrome. Also called: Neoplastic Syndromes, Hereditary; Tumor predisposition; Hereditary Cancer Syndrome; Hereditary neoplastic syndrome. Identifiers: Orphanet 140162, MedGen C0027672, MeSH D009386, MONDO:0015356.

Submission:

Color Diagnostics, LLC DBA Color Health
Classification: Uncertain significance for Hereditary cancer-predisposing syndrome. Last evaluated: 2023-02-26. Review status: criteria provided, single submitter. Criteria: ACMG Guidelines, 2015. Collection method: clinical testing. Allele origin: germline.
Comment: This missense variant replaces threonine with serine at codon 820 of the APC protein. Computational prediction suggests that this variant may not impact protein structure and function (internally defined REVEL score threshold <= 0.5, PMID: 27666373). To our knowledge, functional studies have not been reported for this variant. This variant has not been reported in individuals affected with APC-related disorders in the literature. This variant has not been identified in the general population by the Genome Aggregation Database (gnomAD). The available evidence is insufficient to determine the role of this variant in disease conclusively. Therefore, this variant is classified as a Variant of Uncertain Significance.